The following is an entry in ClinVar:

ClinVar aggregate classification (germline): Uncertain significance (1 of 4 stars; one submission).

Conditions:
Inborn genetic diseases. Identifiers: MedGen C0950123, MeSH D030342.

gnomAD v4.1: 1 of 1,614,228 alleles (0.000062%); highest among the groups gnomAD compares: East Asian, 0.0022%; no homozygotes.

Submission:

Ambry Genetics
Classification: Uncertain significance for Inborn genetic diseases. Last evaluated: 2025-05-31. Review status: criteria provided, single submitter. Criteria: Ambry Variant Classification Scheme 2023. Collection method: clinical testing. Allele origin: germline.
Comment: The p.G199E variant (also known as c.596G>A), located in coding exon 2 of the GATA2 gene, results from a G to A substitution at nucleotide position 596. The glycine at codon 199 is replaced by glutamic acid, an amino acid with similar properties. This amino acid position is conserved. In addition, this alteration is predicted to be deleterious by in silico analysis. Based on the available evidence, the clinical significance of this variant remains unclear.

NM_032638.5(GATA2):c.596G>A (p.Gly199Glu)

Gene: GATA2 (GATA binding protein 2; minus strand). Cytogenetic location: 3q21.3.
Variant type: single nucleotide variant.
Coding change: c.596G>A on transcript NM_032638.5 (MANE Select); coding-DNA position 596, G replaced by A.
Protein change: p.Gly199Glu; replaces glycine 199 with glutamic acid.
Molecular consequence: missense variant.
Genome position (GRCh38, 1-based): chr3:128,486,002, C>T on the plus strand (G>A on the coding strand, the complement: GATA2 is on the minus strand). VCF-style: chr3-128486002-C-T. GRCh37 (hg19) VCF-style: chr3-128204845-C-T.
Other names: c.596G>A, p.Gly199Glu (NM_001145661.2, NM_001145662.1); short protein forms G199E.
Identifiers: ClinVar variation 4028512 (VCV004028512.1).
Genomic context (GRCh38, chr3:128,486,002, plus strand): 5'-TCCGTCAGTGACACCTGGTACTTGACGCCGTCCTTGTCCTCTCCTCGGGCTGCACTACCC[C>T]CCGCGGAAGATGAGGCTGGAGACGCAGCCCCCGTGGTGCTAGGGTCAGGAGACACTTCTT-3'
Protein context (NP_116027.2, residues 189-209): GAASPASSSA[Gly199Glu]GSAARGEDKD